The following is an entry in ClinVar:

ClinVar aggregate classification (germline): Uncertain significance. Review status: criteria provided, multiple submitters, no conflicts (2 of 4 stars). 2 submissions from 2 submitters: Uncertain significance (2). Last evaluated 2026-01-04.

Conditions:
Ehlers-Danlos syndrome, classic type, 1 (EDSCL1). Also called: EHLERS-DANLOS SYNDROME, GRAVIS TYPE; EHLERS-DANLOS SYNDROME, SEVERE CLASSIC TYPE; EDS I; Ehlers-Danlos Syndrome, Classic Type, COL5A1-Related; Ehlers-Danlos syndrome, type 1. Identifiers: MedGen C0268335, MONDO:0019567, OMIM 130000.

Allele frequency attached by ClinVar (database versions not stated): gnomAD 0.00001; TOPMed 0.00001.
gnomAD v4.1: 37 of 1,614,062 alleles (0.0023%); highest among the groups gnomAD compares: Non-Finnish European, 0.0029%; no homozygotes.

Submissions (2):

Labcorp Genetics (formerly Invitae), Labcorp
Classification: Uncertain significance for Ehlers-Danlos syndrome, classic type, 1. Last evaluated: 2026-01-04. Review status: criteria provided, single submitter. Criteria: Invitae Variant Classification Sherloc (09022015). Collection method: clinical testing. Allele origin: germline.
Comment: This sequence change replaces alanine, which is neutral and non-polar, with threonine, which is neutral and polar, at codon 1084 of the COL5A2 protein (p.Ala1084Thr). This variant is not present in population databases (gnomAD no frequency). This variant has not been reported in the literature in individuals affected with COL5A2-related conditions. ClinVar contains an entry for this variant (Variation ID: 1026051). Invitae Evidence Modeling of protein sequence and biophysical properties (such as structural, functional, and spatial information, amino acid conservation, physicochemical variation, residue mobility, and thermodynamic stability) indicates that this missense variant is not expected to disrupt COL5A2 protein function with a negative predictive value of 80%. In summary, the available evidence is currently insufficient to determine the role of this variant in disease. Therefore, it has been classified as a Variant of Uncertain Significance.

GeneDx
Classification: Uncertain significance. Last evaluated: 2024-03-17. Review status: criteria provided, single submitter. Criteria: GeneDx Variant Classification Process June 2021. Collection method: clinical testing. Allele origin: germline. Affected: yes.
Comment: Has not been previously published as pathogenic or benign to our knowledge; Not observed at significant frequency in large population cohorts (gnomAD); In silico analysis supports that this missense variant does not alter protein structure/function; This variant is associated with the following publications: (PMID: 22696272)

NM_000393.5(COL5A2):c.3250G>A (p.Ala1084Thr)

Gene: COL5A2 (collagen type V alpha 2 chain; minus strand). Cytogenetic location: 2q32.2.
Variant type: single nucleotide variant.
Coding change: c.3250G>A on transcript NM_000393.5 (MANE Select); coding-DNA position 3250, G replaced by A.
Protein change: p.Ala1084Thr; replaces alanine 1084 with threonine.
Molecular consequence: missense variant.
Genome position (GRCh38, 1-based): chr2:189,045,859, C>T on the plus strand (G>A on the coding strand, the complement: COL5A2 is on the minus strand). VCF-style: chr2-189045859-C-T. GRCh37 (hg19) VCF-style: chr2-189910585-C-T.
Other names: c.3250G>A (NM_000393.3); short protein forms A1084T.
Identifiers: ClinVar variation 1026051 (VCV001026051.11), dbSNP rs1432653441, ClinGen allele CA349862606.